The following is an entry in ClinVar:

ClinVar aggregate classification (germline): Uncertain significance (1 of 4 stars; one submission).

Conditions:
Hereditary sensory and autonomic neuropathy with spastic paraplegia (HSNSP). Identifiers: Orphanet 139578, MedGen C1850395, MONDO:0009748, OMIM 256840.

Allele frequency attached by ClinVar (database versions not stated): gnomAD exomes below 0.00001; TOPMed below 0.00001; ExAC 0.00001.
gnomAD v4.1: 7 of 1,614,216 alleles (0.00043%); highest among the groups gnomAD compares: Admixed American, 0.012%; no homozygotes.

Submission:

Labcorp Genetics (formerly Invitae), Labcorp
Classification: Uncertain significance for Hereditary sensory and autonomic neuropathy with spastic paraplegia. Last evaluated: 2025-12-03. Review status: criteria provided, single submitter. Criteria: Invitae Variant Classification Sherloc (09022015). Collection method: clinical testing. Allele origin: germline.
Comment: This sequence change replaces phenylalanine, which is neutral and non-polar, with isoleucine, which is neutral and non-polar, at codon 234 of the CCT5 protein (p.Phe234Ile). This variant is present in population databases (rs770463902, gnomAD 0.01%). This variant has not been reported in the literature in individuals affected with CCT5-related conditions. ClinVar contains an entry for this variant (Variation ID: 2748292). Invitae Evidence Modeling of protein sequence and biophysical properties (such as structural, functional, and spatial information, amino acid conservation, physicochemical variation, residue mobility, and thermodynamic stability) indicates that this missense variant is not expected to disrupt CCT5 protein function with a negative predictive value of 80%. In summary, the available evidence is currently insufficient to determine the role of this variant in disease. Therefore, it has been classified as a Variant of Uncertain Significance.

NM_012073.5(CCT5):c.700T>A (p.Phe234Ile)

Gene: CCT5 (chaperonin containing TCP1 subunit 5; plus strand). Cytogenetic location: 5p15.2.
Variant type: single nucleotide variant.
Coding change: c.700T>A on transcript NM_012073.5 (MANE Select); coding-DNA position 700, T replaced by A.
Protein change: p.Phe234Ile; replaces phenylalanine 234 with isoleucine.
Molecular consequence: missense variant.
Genome position (GRCh38, 1-based): chr5:10,258,280, T>A. VCF-style: chr5-10258280-T-A. GRCh37 (hg19) VCF-style: chr5-10258392-T-A.
Other names: c.637T>A, p.Phe213Ile (NM_001306153.1); c.535T>A, p.Phe179Ile (NM_001306154.2); c.421T>A, p.Phe141Ile (NM_001306155.2); c.586T>A, p.Phe196Ile (NM_001306156.2); short protein forms F196I, F213I, F141I, F234I, F179I.
Identifiers: ClinVar variation 2748292 (VCV002748292.3), dbSNP rs770463902, ClinGen allele CA3198145.